The following is an entry in ClinVar:

ClinVar aggregate classification (germline): Uncertain significance (1 of 4 stars; one submission).

Allele frequency attached by ClinVar (database versions not stated): ExAC 0.00001; gnomAD 0.00001; gnomAD exomes 0.00001 and 0.00002.
gnomAD v4.1: 7 of 1,612,958 alleles (0.00043%); highest among the groups gnomAD compares: Admixed American, 0.012%; no homozygotes.

Submission:

Labcorp Genetics (formerly Invitae), Labcorp
Classification: Uncertain significance. Last evaluated: 2023-08-10. Review status: criteria provided, single submitter. Criteria: Invitae Variant Classification Sherloc (09022015). Collection method: clinical testing. Allele origin: germline.
Comment: In summary, the available evidence is currently insufficient to determine the role of this variant in disease. Therefore, it has been classified as a Variant of Uncertain Significance. Advanced modeling of protein sequence and biophysical properties (such as structural, functional, and spatial information, amino acid conservation, physicochemical variation, residue mobility, and thermodynamic stability) has been performed at Invitae for this missense variant, however the output from this modeling did not meet the statistical confidence thresholds required to predict the impact of this variant on EYS protein function. ClinVar contains an entry for this variant (Variation ID: 1347896). This variant has not been reported in the literature in individuals affected with EYS-related conditions. This variant is present in population databases (rs759580570, gnomAD 0.01%). This sequence change replaces serine, which is neutral and polar, with arginine, which is basic and polar, at codon 313 of the EYS protein (p.Ser313Arg).

NM_001142800.2(EYS):c.937A>C (p.Ser313Arg)

Gene: EYS (EGF-like photoreceptor maintenance factor; minus strand). Cytogenetic location: 6q12.
Variant type: single nucleotide variant.
Coding change: c.937A>C on transcript NM_001142800.2 (MANE Select); coding-DNA position 937, A replaced by C.
Protein change: p.Ser313Arg; replaces serine 313 with arginine.
Molecular consequence: missense variant.
Genome position (GRCh38, 1-based): chr6:65,405,293, T>G on the plus strand (A>C on the coding strand, the complement: EYS is on the minus strand). VCF-style: chr6-65405293-T-G. GRCh37 (hg19) VCF-style: chr6-66115186-T-G.
Other names: c.937A>C, p.Ser313Arg (NM_001142801.2, NM_001292009.2, NM_198283.2); short protein forms S313R.
Identifiers: ClinVar variation 1347896 (VCV001347896.8), dbSNP rs759580570, ClinGen allele CA3877921.